The following is an entry in ClinVar:

NM_002693.3(POLG):c.1952C>A (p.Ala651Asp)

Gene: POLG (DNA polymerase gamma, catalytic subunit; minus strand). Cytogenetic location: 15q26.1.
Variant type: single nucleotide variant.
Coding change: c.1952C>A on transcript NM_002693.3 (MANE Select); coding-DNA position 1952, C replaced by A.
Protein change: p.Ala651Asp; replaces alanine 651 with aspartic acid.
Molecular consequence: missense variant.
Genome position (GRCh38, 1-based): chr15:89,324,225, G>T on the plus strand (C>A on the coding strand, the complement: POLG is on the minus strand). VCF-style: chr15-89324225-G-T. GRCh37 (hg19) VCF-style: chr15-89867456-G-T.
Other names: c.1952C>A, p.Ala651Asp (NM_001126131.2); short protein forms A651D.
Identifiers: ClinVar variation 514626 (VCV000514626.1), dbSNP rs1555453197, ClinGen allele CA393757906.

ClinVar aggregate classification (germline): Likely benign (1 of 4 stars; one submission).

Allele frequency attached by ClinVar (database versions not stated): gnomAD exomes below 0.00001.
gnomAD v4.1: 1 of 1,612,366 alleles (0.000062%); no homozygotes.

Submission:

GeneDx
Classification: Likely benign. Last evaluated: 2018-01-12. Review status: criteria provided, single submitter. Criteria: GeneDx Variant Classification (06012015). Collection method: clinical testing. Allele origin: germline. Affected: yes.
Comment: This variant is considered likely benign or benign based on one or more of the following criteria: it is a conservative change, it occurs at a poorly conserved position in the protein, it is predicted to be benign by multiple in silico algorithms, and/or has population frequency not consistent with disease.